The following is an entry in ClinVar:

NM_006766.5(KAT6A):c.856C>T (p.Arg286Ter)

Gene: KAT6A (lysine acetyltransferase 6A; minus strand). Cytogenetic location: 8p11.21.
Variant type: single nucleotide variant.
Coding change: c.856C>T on transcript NM_006766.5 (MANE Select); coding-DNA position 856, C replaced by T.
Protein change: p.Arg286Ter; replaces arginine 286 with a stop codon.
Molecular consequence: nonsense.
Genome position (GRCh38, 1-based): chr8:41,980,897, G>A on the plus strand (C>T on the coding strand, the complement: KAT6A is on the minus strand). VCF-style: chr8-41980897-G-A. GRCh37 (hg19) VCF-style: chr8-41838415-G-A.
Other names: c.856C>T, p.Arg286Ter (NM_001305878.2); short protein forms R286*.
Identifiers: ClinVar variation 598767 (VCV000598767.7), dbSNP rs1564038539, ClinGen allele CA371173704.

ClinVar aggregate classification (germline): Pathogenic. Review status: criteria provided, multiple submitters, no conflicts (2 of 4 stars). 6 submissions from 6 submitters: Pathogenic (6). Last evaluated 2025-11-18.

Conditions:
Inborn genetic diseases. Identifiers: MedGen C0950123, MeSH D030342.
Autosomal dominant intellectual disability-craniofacial anomalies-cardiac defects syndrome (ARTHS). Also called: Mental retardation, autosomal dominant 32; Arboleda-Tham syndrome; KAT6A syndrome. Identifiers: Orphanet 457193, MedGen C4225396, MONDO:0014558, OMIM 616268.

Submissions (6):

Dasa
Classification: Pathogenic. Last evaluated: 2025-11-18. Review status: criteria provided, single submitter. Criteria: DASA Assertion Criteria. Collection method: clinical testing. Allele origin: germline.
Comment: NM_006766.5(KAT6A):c.856C>T (p.Arg286*) introduces a premature termination codon predicted to result in loss of normal protein function. Loss-of-function is an established mechanism of disease for this gene. This variant has been reported in individuals with related phenotype (PMID: 33004838). The variant is present at low frequency in population datasets. Based on the available data, this variant is classified as pathogenic.

Labcorp Genetics (formerly Invitae), Labcorp
Classification: Pathogenic. Last evaluated: 2024-11-25. Review status: criteria provided, single submitter. Criteria: Invitae Variant Classification Sherloc (09022015). Collection method: clinical testing. Allele origin: germline.
Comment: This sequence change creates a premature translational stop signal (p.Arg286*) in the KAT6A gene. It is expected to result in an absent or disrupted protein product. Loss-of-function variants in KAT6A are known to be pathogenic (PMID: 25728775, 25728777, 27133397). This variant is not present in population databases (gnomAD no frequency). This premature translational stop signal has been observed in individual(s) with KAT6A-related conditions (PMID: 33004838). ClinVar contains an entry for this variant (Variation ID: 598767). For these reasons, this variant has been classified as Pathogenic.

Ambry Genetics
Classification: Pathogenic for Inborn genetic diseases. Last evaluated: 2024-06-27. Review status: criteria provided, single submitter. Criteria: Ambry Variant Classification Scheme 2023. Collection method: clinical testing. Allele origin: germline.
Comment: The c.856C>T (p.R286*) alteration, located in exon 5 (coding exon 4) of the KAT6A gene, consists of a C to T substitution at nucleotide position 856. This changes the amino acid from a arginine (R) to a stop codon at amino acid position 286. This alteration is expected to result in loss of function by premature protein truncation or nonsense-mediated mRNA decay. This variant was not reported in population-based cohorts in the Genome Aggregation Database (gnomAD). Based on the available evidence, this alteration is classified as pathogenic.

Clinical Genetics Laboratory, Skane University Hospital Lund
Classification: Pathogenic. Last evaluated: 2023-06-29. Review status: criteria provided, single submitter. Criteria: ACMG Guidelines, 2015. Collection method: clinical testing. Allele origin: germline. Affected: yes.

GeneDx
Classification: Pathogenic. Last evaluated: 2022-07-05. Review status: criteria provided, single submitter. Criteria: GeneDx Variant Classification Process June 2021. Collection method: clinical testing. Allele origin: germline. Affected: yes.
Comment: Identified in an individual with a neurodevelopmental disorder, but segregation and detailed clinical information was not provided (Wang et al., 2020); Nonsense variant predicted to result in protein truncation or nonsense mediated decay in a gene for which loss of function is a known mechanism of disease; Not observed at significant frequency in large population cohorts (gnomAD); This variant is associated with the following publications: (PMID: 33004838)

MVZ Martinsried, Medicover Genetics
Classification: Pathogenic for Autosomal dominant intellectual disability-craniofacial anomalies-cardiac defects syndrome. Last evaluated: 2018-07-13. Review status: criteria provided, single submitter. Criteria: ACMG Guidelines, 2015. Collection method: clinical testing. Allele origin: de novo. Affected: yes.

Literature cited by the submitters: PubMed 33004838 (cited by Dasa and Labcorp Genetics (formerly Invitae), Labcorp); PubMed 25728775 (cited by Labcorp Genetics (formerly Invitae), Labcorp); PubMed 25728777 (cited by Labcorp Genetics (formerly Invitae), Labcorp); PubMed 27133397 (cited by Labcorp Genetics (formerly Invitae), Labcorp).